The following is an entry in ClinVar:

ClinVar aggregate classification (germline): Uncertain significance. Review status: criteria provided, multiple submitters, no conflicts (2 of 4 stars). 4 submissions from 4 submitters: Uncertain significance (4). Last evaluated 2025-03-10.

Conditions:
Fanconi anemia complementation group O. Also called: RAD51C-Related Fanconi Anemia. Identifiers: Orphanet 84, MedGen C3150653, MONDO:0013248, OMIM 613390.
Hereditary cancer-predisposing syndrome. Also called: Hereditary Cancer Syndrome; Neoplastic Syndromes, Hereditary; Tumor predisposition; Hereditary neoplastic syndrome. Identifiers: Orphanet 140162, MedGen C0027672, MeSH D009386, MONDO:0015356.
Breast-ovarian cancer, familial, susceptibility to, 3. Also called: RAD51C-Related Breast/Ovarian Cancer. Identifiers: Orphanet 145, MedGen C3150659, MONDO:0013253, OMIM 613399.

Allele frequency attached by ClinVar (database versions not stated): gnomAD exomes below 0.00001; ExAC 0.00001.
gnomAD v4.1: 4 of 1,613,116 alleles (0.00025%); highest among the groups gnomAD compares: Non-Finnish European, 0.00025%; no homozygotes.

Submissions (4):

Ambry Genetics
Classification: Uncertain significance for Hereditary cancer-predisposing syndrome. Last evaluated: 2025-03-10. Review status: criteria provided, single submitter. Criteria: Ambry Variant Classification Scheme 2023. Collection method: clinical testing. Allele origin: germline.
Comment: The p.L326F variant (also known as c.978G>C), located in coding exon 8 of the RAD51C gene, results from a G to C substitution at nucleotide position 978. The leucine at codon 326 is replaced by phenylalanine, an amino acid with highly similar properties. This amino acid position is highly conserved in available vertebrate species. In addition, this alteration is predicted to be tolerated by in silico analysis. Since supporting evidence is limited at this time, the clinical significance of this alteration remains unclear.

Baylor Genetics
Classification: Uncertain significance for Breast-ovarian cancer, familial, susceptibility to, 3. Last evaluated: 2023-06-29. Review status: criteria provided, single submitter. Criteria: ACMG Guidelines, 2015. Collection method: clinical testing. Allele origin: unknown.

Labcorp Genetics (formerly Invitae), Labcorp
Classification: Uncertain significance for Fanconi anemia complementation group O. Last evaluated: 2022-08-16. Review status: criteria provided, single submitter. Criteria: Invitae Variant Classification Sherloc (09022015). Collection method: clinical testing. Allele origin: germline.
Comment: This sequence change replaces leucine, which is neutral and non-polar, with phenylalanine, which is neutral and non-polar, at codon 326 of the RAD51C protein (p.Leu326Phe). In summary, the available evidence is currently insufficient to determine the role of this variant in disease. Therefore, it has been classified as a Variant of Uncertain Significance. Algorithms developed to predict the effect of missense changes on protein structure and function are either unavailable or do not agree on the potential impact of this missense change (SIFT: "Tolerated"; PolyPhen-2: "Possibly Damaging"; Align-GVGD: "Class C0"). ClinVar contains an entry for this variant (Variation ID: 630227). This variant has not been reported in the literature in individuals affected with RAD51C-related conditions. This variant is present in population databases (rs770652503, gnomAD 0.0009%).

Color Diagnostics, LLC DBA Color Health
Classification: Uncertain significance for Hereditary cancer-predisposing syndrome. Last evaluated: 2019-04-03. Review status: criteria provided, single submitter. Criteria: ACMG Guidelines, 2015. Collection method: clinical testing. Allele origin: germline.

NM_058216.3(RAD51C):c.978G>C (p.Leu326Phe)

Gene: RAD51C (RAD51 paralog C; plus strand). Cytogenetic location: 17q22.
Variant type: single nucleotide variant.
Coding change: c.978G>C on transcript NM_058216.3 (MANE Select); coding-DNA position 978, G replaced by C.
Protein change: p.Leu326Phe; replaces leucine 326 with phenylalanine.
Molecular consequence: missense variant. On other transcripts: non-coding transcript variant (1).
Genome position (GRCh38, 1-based): chr17:58,732,496, G>C. VCF-style: chr17-58732496-G-C. GRCh37 (hg19) VCF-style: chr17-56809857-G-C.
Other names: c.978G>C (NM_058216.1); short protein forms L326F.
Identifiers: ClinVar variation 630227 (VCV000630227.14), dbSNP rs770652503, ClinGen allele CA8677383.